The following is an entry in ClinVar:

Conditions:
Breast-ovarian cancer, familial, susceptibility to, 1 (BROVCA1). Also called: BRCA1 Hereditary Breast and Ovarian Cancer; OVARIAN CANCER, SUSCEPTIBILITY TO. Identifiers: Orphanet 145, MedGen C2676676, MONDO:0011450, OMIM 604370. Disease mechanism: loss of function.

Allele frequency attached by ClinVar (database versions not stated): gnomAD exomes below 0.00001; ExAC 0.00001.
gnomAD v4.1: 1 of 1,614,144 alleles (0.000062%); highest among the groups gnomAD compares: Non-Finnish European, 0.000085%; no homozygotes.

Submission:

Brotman Baty Institute, University of Washington
No classification provided (evidence only). Condition: Breast-ovarian cancer, familial 1. Review status: no classification provided. Collection method: in vitro. Allele origin: not applicable. Functional consequence: functionally_normal.
ClinVar note: "not provided" was previously submitted as the classification for the variant. However, the classification appeared to be based only on an observation of functional data so it was converted to no classification on 2025-07-30.

NM_007294.4(BRCA1):c.5468C>T (p.Ala1823Val)

Gene: BRCA1 (BRCA1 DNA repair associated; minus strand). Cytogenetic location: 17q21.31.
Variant type: single nucleotide variant.
Coding change: c.5468C>T on transcript NM_007294.4 (MANE Select); coding-DNA position 5468, C replaced by T.
Protein change: p.Ala1823Val; replaces alanine 1823 with valine.
Molecular consequence: missense variant. On other transcripts: synonymous variant (17).
Genome position (GRCh38, 1-based): chr17:43,045,802, G>A on the plus strand (C>T on the coding strand, the complement: BRCA1 is on the minus strand). VCF-style: chr17-43045802-G-A. GRCh37 (hg19) VCF-style: chr17-41197819-G-A.
Other names: c.5255C>T, p.Ala1752Val (NM_001407571.1, NM_001407894.1, NM_001407895.1 and 12 more transcripts); c.5534C>T, p.Ala1845Val (NM_001407581.1, NM_001407582.1); c.5531C>T, p.Ala1844Val (NM_001407583.1, NM_001407585.1, NM_001407587.1 and 1 more transcripts); c.5528C>T, p.Ala1843Val (NM_001407590.1, NM_001407591.1); c.5465C>T, p.Ala1822Val (NM_001407612.1, NM_001407613.1, NM_001407614.1 and 14 more transcripts); c.5462C>T, p.Ala1821Val (NM_001407627.1, NM_001407628.1, NM_001407629.1 and 13 more transcripts); c.5459C>T, p.Ala1820Val (NM_001407644.1, NM_001407645.1); c.5456C>T, p.Ala1819Val (NM_001407646.1); and 83 more; short protein forms A719V, A1823V, A1776V, A1844V, A1695V, A1712V, A1734V, A1756V.
Identifiers: ClinVar variation 864911 (VCV000864911.3), dbSNP rs765681061, ClinGen allele CA055163.